The following is an entry in ClinVar:

ClinVar aggregate classification (germline): Conflicting classifications of pathogenicity. Review status: criteria provided, conflicting classifications (1 of 4 stars). 4 submissions from 4 submitters: Uncertain significance (1); Likely benign (3). Last evaluated 2025-11-05.

Conditions:
Catecholaminergic polymorphic ventricular tachycardia 1. Also called: RYR2-Related Catecholaminergic Polymorphic Ventricular Tachycardia; VENTRICULAR TACHYCARDIA, CATECHOLAMINERGIC POLYMORPHIC, 1, WITH OR WITHOUT ATRIAL DYSFUNCTION AND/OR DILATED CARDIOMYOPATHY; VENTRICULAR TACHYCARDIA, STRESS-INDUCED POLYMORPHIC 1. Identifiers: Orphanet 3286, MedGen C1631597, MONDO:0011484, OMIM 604772.
Cardiovascular phenotype. Identifiers: MedGen CN230736.
Cardiomyopathy (CMYO). Also called: Cardiomyopathies. Identifiers: Orphanet 167848, MedGen C0878544, MONDO:0004994, HP:0001638. Inheritance: Various modes of inheritance.

Allele frequency attached by ClinVar (database versions not stated): ExAC 0.00003; TOPMed 0.00003; gnomAD 0.00004 and 0.00005; gnomAD exomes 0.00006.
gnomAD v4.1: 43 of 1,611,612 alleles (0.0027%); highest among the groups gnomAD compares: Admixed American, 0.0033%; no homozygotes.

Submissions (4):

Labcorp Genetics (formerly Invitae), Labcorp
Classification: Likely benign for Catecholaminergic polymorphic ventricular tachycardia 1. Last evaluated: 2025-11-05. Review status: criteria provided, single submitter. Criteria: Invitae Variant Classification Sherloc (09022015). Collection method: clinical testing. Allele origin: germline.

Ambry Genetics
Classification: Uncertain significance for Cardiovascular phenotype. Last evaluated: 2025-04-22. Review status: criteria provided, single submitter. Criteria: Ambry Variant Classification Scheme 2023. Collection method: clinical testing. Allele origin: germline.
Comment: The p.R4959W variant (also known as c.14875C>T), located in coding exon 105 of the RYR2 gene, results from a C to T substitution at nucleotide position 14875. The arginine at codon 4959 is replaced by tryptophan, an amino acid with dissimilar properties. This amino acid position is highly conserved in available vertebrate species. In addition, this alteration is predicted to be deleterious by in silico analysis. Based on the available evidence, the clinical significance of this variant remains unclear.

Women's Health and Genetics/Laboratory Corporation of America, LabCorp
Classification: Likely benign. Last evaluated: 2022-08-22. Review status: criteria provided, single submitter. Criteria: LabCorp Variant Classification Summary - May 2015. Collection method: clinical testing. Allele origin: germline.
Comment: Variant summary: RYR2 c.14875C>T (p.Arg4959Trp) results in a non-conservative amino acid change in the encoded protein sequence. Four of four in-silico tools predict a damaging effect of the variant on protein function. The variant allele was found at a frequency of 6e-05 in 248326 control chromosomes. The observed variant frequency is approximately 1.76 fold of the estimated maximal expected allele frequency for a pathogenic variant in RYR2 causing Catecholaminergic Polymorphic Ventricular Tachycardia phenotype (3.4e-05), strongly suggesting that the variant is benign. c.14875C>T has been reported in the literature without strong evidence for causality (Landstrom_2017). This report does not provide unequivocal conclusions about association of the variant with Catecholaminergic Polymorphic Ventricular Tachycardia. To our knowledge, no experimental evidence demonstrating an impact on protein function has been reported. Three clinical diagnostic laboratories have submitted clinical-significance assessments for this variant to ClinVar after 2014 without evidence for independent evaluation. All laboratories classified the variant as likely benign. Based on the evidence outlined above, the variant was classified as likely benign.

Color Diagnostics, LLC DBA Color Health
Classification: Likely benign for Cardiomyopathy. Last evaluated: 2018-10-05. Review status: criteria provided, single submitter. Criteria: ACMG Guidelines, 2015. Collection method: clinical testing. Allele origin: germline.

Literature cited by the submitters: PubMed 28404607 (cited by Ambry Genetics and Women's Health and Genetics/Laboratory Corporation of America, LabCorp).

NM_001035.3(RYR2):c.14875C>T (p.Arg4959Trp)

Gene: RYR2 (ryanodine receptor 2; plus strand). Cytogenetic location: 1q43.
Variant type: single nucleotide variant.
Coding change: c.14875C>T on transcript NM_001035.3 (MANE Select); coding-DNA position 14875, C replaced by T.
Protein change: p.Arg4959Trp; replaces arginine 4959 with tryptophan.
Molecular consequence: missense variant.
Genome position (GRCh38, 1-based): chr1:237,832,618, C>T. VCF-style: chr1-237832618-C-T. GRCh37 (hg19) VCF-style: chr1-237995918-C-T.
Other names: c.14875C>T, p.Arg4959Trp (LRG_402t1); short protein forms R4959W.
Identifiers: ClinVar variation 629357 (VCV000629357.17), dbSNP rs755308070, ClinGen allele CA085786.